The following is an entry in ClinVar:

NM_000059.4(BRCA2):c.71del (p.Asp23_Leu24insTer)

Gene: BRCA2 (BRCA2 DNA repair associated; plus strand). Cytogenetic location: 13q13.1.
Variant type: Deletion.
Coding change: c.71del on transcript NM_000059.4 (MANE Select); coding-DNA position 71, one base deleted (T; older notation c.71delT).
Protein change: p.Asp23_Leu24insTer.
Molecular consequence: nonsense.
Genome position (GRCh38, 1-based): chr13:32,319,080, T deleted; the last of 3 consecutive T bases (chr13:32,319,078-32,319,080); deleting any one gives the same sequence. VCF-style (leftmost placement, unchanged base first): chr13-32319077-AT-A. GRCh37 (hg19) VCF-style: chr13-32893214-AT-A.
Other names: c.71delT (NM_000059.3).
Identifiers: ClinVar variation 52286 (VCV000052286.18), dbSNP rs397507903, ClinGen allele CA024955.

ClinVar aggregate classification (germline): Pathogenic. Review status: reviewed by expert panel (3 of 4 stars). 6 submissions from 6 submitters: Pathogenic (1). 5 of the submissions do not count toward it. Last evaluated 2016-09-08.

Conditions:
Hereditary breast ovarian cancer syndrome. Also called: Hereditary breast and ovarian cancer syndrome; Hereditary breast and ovarian cancer; Hereditary breast and ovarian cancer syndrome (HBOC); Breast and ovarian cancer; Hereditary breast and/or ovarian cancer syndrome; BRCA1- and BRCA2-Associated Hereditary Breast and Ovarian Cancer. Identifiers: Orphanet 145, MedGen C0677776, MeSH D061325, MONDO:0003582. Disease mechanism: loss of function.
Familial cancer of breast. Also called: BREAST CANCER, FAMILIAL; Hereditary breast cancer; hereditary breast carcinoma. Identifiers: Orphanet 227535, MedGen C0346153, MONDO:0016419, OMIM 114480. Disease mechanism: loss of function.
Hereditary cancer-predisposing syndrome. Also called: Neoplastic Syndromes, Hereditary; Tumor predisposition; Hereditary neoplastic syndrome; Hereditary Cancer Syndrome. Identifiers: Orphanet 140162, MedGen C0027672, MeSH D009386, MONDO:0015356.
Breast-ovarian cancer, familial, susceptibility to, 2 (BROVCA2). Also called: BRCA2 Hereditary Breast and Ovarian Cancer. Identifiers: Orphanet 145, MedGen C2675520, MONDO:0012933, OMIM 612555. Disease mechanism: loss of function.

Submissions (6):

Evidence-based Network for the Interpretation of Germline Mutant Alleles (ENIGMA)
Classification: Pathogenic for Breast-ovarian cancer, familial, susceptibility to, 2. Last evaluated: 2016-09-08. Review status: reviewed by expert panel. Criteria: ENIGMA BRCA1/2 Classification Criteria (2015). Collection method: curation. Allele origin: germline.
Comment: Variant allele predicted to encode a truncated non-functional protein.

Labcorp Genetics (formerly Invitae), Labcorp
Classification: Pathogenic for Hereditary breast ovarian cancer syndrome. Last evaluated: 2023-04-22. Review status: criteria provided, single submitter. Criteria: Invitae Variant Classification Sherloc (09022015). Collection method: clinical testing. Allele origin: germline. Not counted in ClinVar's aggregate classification.
Comment: ClinVar contains an entry for this variant (Variation ID: 52286). This sequence change creates a premature translational stop signal (p.Leu24*) in the BRCA2 gene. It is expected to result in an absent or disrupted protein product. Loss-of-function variants in BRCA2 are known to be pathogenic (PMID: 20104584). This variant is not present in population databases (gnomAD no frequency). This premature translational stop signal has been observed in individual(s) with breast cancer (PMID: 9150172). This variant is also known as 297delT. For these reasons, this variant has been classified as Pathogenic.

Baylor Genetics
Classification: Pathogenic for Familial cancer of breast. Last evaluated: 2023-04-05. Review status: criteria provided, single submitter. Criteria: ACMG Guidelines, 2015. Collection method: clinical testing. Allele origin: unknown. Not counted in ClinVar's aggregate classification.

Ambry Genetics
Classification: Pathogenic for Hereditary cancer-predisposing syndrome. Last evaluated: 2017-03-14. Review status: criteria provided, single submitter. Criteria: Ambry Variant Classification Scheme 2023. Collection method: clinical testing. Allele origin: germline. Not counted in ClinVar's aggregate classification.
Comment: The c.71delT pathogenic mutation (also known as 299delT or p.L24*), located in coding exon 2 of the BRCA2 gene, results from a deletion of one nucleotide at nucleotide position 71, causing a translational frameshift with a predicted alternate stop codon. This mutation has been reported in a French breast cancer family (Muller et al.BMC Medical Genetics2011; 12:121). In addition to the clinical data presented in the literature, this alteration is expected to result in loss of function by premature protein truncation or nonsense-mediated mRNA decay. As such, this alteration is interpreted as a disease-causing mutation.

Consortium of Investigators of Modifiers of BRCA1/2 (CIMBA), c/o University of Cambridge
Classification: Pathogenic for Breast-ovarian cancer, familial, susceptibility to, 2. Last evaluated: 2015-10-02. Review status: criteria provided, single submitter. Criteria: CIMBA Mutation Classification guidelines May 2016. Collection method: clinical testing. Allele origin: germline. Not counted in ClinVar's aggregate classification.

Research Molecular Genetics Laboratory, Women's College Hospital, University of Toronto
Classification: Pathogenic for Hereditary breast ovarian cancer syndrome. Last evaluated: 2014-01-31. Review status: no assertion criteria provided. Collection method: research. Allele origin: germline. Affected: yes. Study: The Canadian Open Genetics Repository (COGR). Not counted in ClinVar's aggregate classification.

Literature cited by the submitters: PubMed 20104584 (cited by Labcorp Genetics (formerly Invitae), Labcorp); PubMed 9150172 (cited by Labcorp Genetics (formerly Invitae), Labcorp).